The following is an entry in ClinVar:

ClinVar aggregate classification (germline): Uncertain significance. Review status: criteria provided, multiple submitters, no conflicts (2 of 4 stars). 5 submissions from 5 submitters: Uncertain significance (4). 1 of the submissions does not count toward it. Last evaluated 2026-04-27.

Conditions:
CPT1A-related disorder. Also called: CPT1A-related condition.

Submissions (5):

Women's Health and Genetics/Laboratory Corporation of America, LabCorp
Classification: Uncertain significance. Last evaluated: 2026-04-27. Review status: criteria provided, single submitter. Criteria: LabCorp Variant Classification Summary - May 2015. Collection method: clinical testing. Allele origin: germline.
Comment: Variant summary: CPT1A c.194T>C (p.Val65Ala) results in a non-conservative amino acid change in the encoded protein sequence. Algorithms developed to predict the effect of missense changes on protein structure and function all suggest that this variant is likely to be disruptive. The variant was absent in 251182 control chromosomes. The available data on variant occurrences in the general population are insufficient to allow any conclusion about variant significance. To our knowledge, no occurrence of c.194T>C in individuals affected with CPT1A-related conditions and no experimental evidence demonstrating its impact on protein function have been reported. ClinVar contains an entry for this variant (Variation ID: 166952). Based on the evidence outlined above, the variant was classified as uncertain significance.

GeneDx
Classification: Uncertain significance. Last evaluated: 2026-03-05. Review status: criteria provided, single submitter. Criteria: GeneDx Variant Classification Process June 2021. Collection method: clinical testing. Allele origin: germline.
Comment: Not observed at significant frequency in large population cohorts (gnomAD); In silico analysis supports that this missense variant has a deleterious effect on protein structure/function; Has not been previously published as pathogenic or benign to our knowledge

Blueprint Genetics
Classification: Uncertain significance. Last evaluated: 2024-09-02. Review status: criteria provided, single submitter. Criteria: ACMG Guidelines, 2015. Collection method: clinical testing. Allele origin: germline.

Eurofins Ntd Llc (ga)
Classification: Uncertain significance. Last evaluated: 2014-04-18. Review status: criteria provided, single submitter. Criteria: EGL Classification Definitions 2015. Collection method: clinical testing. Allele origin: germline. Observed: 2 variant alleles, 1 heterozygote, 1 homozygote.

PreventionGenetics, part of Exact Sciences
Classification: Uncertain significance for CPT1A-related condition. Last evaluated: 2024-08-31. Review status: no assertion criteria provided. Collection method: clinical testing. Allele origin: germline. Not counted in ClinVar's aggregate classification.
Comment: The CPT1A c.194T>C variant is predicted to result in the amino acid substitution p.Val65Ala. To our knowledge, this variant has not been reported in the literature or in a large population database, indicating this variant is rare. At this time, the clinical significance of this variant is uncertain due to the absence of conclusive functional and genetic evidence.

NM_001876.4(CPT1A):c.194T>C (p.Val65Ala)

Gene: CPT1A (carnitine palmitoyltransferase 1A; minus strand). Cytogenetic location: 11q13.3.
Variant type: single nucleotide variant.
Coding change: c.194T>C on transcript NM_001876.4 (MANE Select); coding-DNA position 194, T replaced by C.
Protein change: p.Val65Ala; replaces valine 65 with alanine.
Molecular consequence: missense variant.
Genome position (GRCh38, 1-based): chr11:68,812,524, A>G on the plus strand (T>C on the coding strand, the complement: CPT1A is on the minus strand). VCF-style: chr11-68812524-A-G. GRCh37 (hg19) VCF-style: chr11-68579992-A-G.
Other names: c.194T>C, p.Val65Ala (NM_001031847.3); c.194T>C (NM_001876.3); short protein forms V65A.
Identifiers: ClinVar variation 166952 (VCV000166952.11), dbSNP rs727503886, ClinGen allele CA233852.